The following is an entry in ClinVar:

ClinVar aggregate classification (germline): Uncertain significance. Review status: criteria provided, multiple submitters, no conflicts (2 of 4 stars). 2 submissions from 2 submitters: Uncertain significance (2). Last evaluated 2025-01-06.

Conditions:
Episodic ataxia type 2 (EA2). Also called: ATAXIA, EPISODIC, WITH NYSTAGMUS; ATAXIA, FAMILIAL PAROXYSMAL; CEREBELLAR ATAXIA, PAROXYSMAL, ACETAZOLAMIDE-RESPONSIVE; CEREBELLOPATHY, HEREDITARY PAROXYSMAL; ACETAZOLAMIDE-RESPONSIVE HEREDITARY PAROXYSMAL CEREBELLAR ATAXIA; EPISODIC ATAXIA, NYSTAGMUS-ASSOCIATED. Identifiers: Orphanet 97, MedGen C1720416, MONDO:0007163, OMIM 108500.
Developmental and epileptic encephalopathy, 42 (DEE42A). Also called: DEVELOPMENTAL AND EPILEPTIC ENCEPHALOPATHY 42A; EPILEPTIC ENCEPHALOPATHY, EARLY INFANTILE, 42A; Epileptic encephalopathy, early infantile, 42. Identifiers: MedGen C4310716, MONDO:0014917, OMIM 617106.

Allele frequency attached by ClinVar (database versions not stated): gnomAD exomes below 0.00001.
gnomAD v4.1: 1 of 1,604,120 alleles (0.000062%); no homozygotes.

Submissions (2):

GeneDx
Classification: Uncertain significance. Last evaluated: 2025-01-06. Review status: criteria provided, single submitter. Criteria: GeneDx Variant Classification Process June 2021. Collection method: clinical testing. Allele origin: germline. Affected: yes.
Comment: Not observed at significant frequency in large population cohorts (gnomAD); In silico analysis supports that this missense variant has a deleterious effect on protein structure/function; Has not been previously published as pathogenic or benign to our knowledge

Labcorp Genetics (formerly Invitae), Labcorp
Classification: Uncertain significance for Developmental and epileptic encephalopathy, 42; Episodic ataxia type 2. Last evaluated: 2022-06-05. Review status: criteria provided, single submitter. Criteria: Invitae Variant Classification Sherloc (09022015). Collection method: clinical testing. Allele origin: germline.
Comment: Algorithms developed to predict the effect of missense changes on protein structure and function (SIFT, PolyPhen-2, Align-GVGD) all suggest that this variant is likely to be disruptive. In summary, the available evidence is currently insufficient to determine the role of this variant in disease. Therefore, it has been classified as a Variant of Uncertain Significance. ClinVar contains an entry for this variant (Variation ID: 1504412). This variant has not been reported in the literature in individuals affected with CACNA1A-related conditions. This variant is not present in population databases (gnomAD no frequency). This sequence change replaces lysine, which is basic and polar, with glutamic acid, which is acidic and polar, at codon 1364 of the CACNA1A protein (p.Lys1364Glu).

NM_001127222.2(CACNA1A):c.4087A>G (p.Lys1363Glu)

Gene: CACNA1A (calcium voltage-gated channel subunit alpha1 A; minus strand). Cytogenetic location: 19p13.13.
Variant type: single nucleotide variant.
Coding change: c.4087A>G on transcript NM_001127222.2 (MANE Select); coding-DNA position 4087, A replaced by G.
Protein change: p.Lys1363Glu; replaces lysine 1363 with glutamic acid.
Molecular consequence: missense variant.
Genome position (GRCh38, 1-based): chr19:13,262,736, T>C on the plus strand (A>G on the coding strand, the complement: CACNA1A is on the minus strand). VCF-style: chr19-13262736-T-C. GRCh37 (hg19) VCF-style: chr19-13373550-T-C.
Other names: c.4099A>G, p.Lys1367Glu (NM_000068.4, NM_023035.3); c.4090A>G, p.Lys1364Glu (NM_001127221.2, NM_001174080.2); c.4090A>G (NM_001127221.1); short protein forms K1363E, K1364E, K1367E.
Identifiers: ClinVar variation 1504412 (VCV001504412.7), dbSNP rs2144772824, ClinGen allele CA404339914.